The following is an entry in ClinVar:

ClinVar aggregate classification (germline): Likely benign (1 of 4 stars; one submission).

Conditions:
Hirschsprung disease, susceptibility to, 3. Identifiers: Orphanet 388, MedGen C3150974, MONDO:0013383, OMIM 613711.

Allele frequency attached by ClinVar (database versions not stated): gnomAD 0.00307 and 0.00448; TOPMed 0.00601; 1000 Genomes Project 30x 0.01686; 1000 Genomes Project 0.01957.

Submission:

Illumina Laboratory Services, Illumina
Classification: Likely benign for Hirschsprung disease, susceptibility to, 3. Last evaluated: 2017-04-27. Review status: criteria provided, single submitter. Criteria: ICSL Variant Classification Criteria 13 December 2019. Collection method: clinical testing. Allele origin: germline.
Comment: This variant was observed as part of a predisposition screen in an ostensibly healthy population. A literature search was performed for the gene, cDNA change, and amino acid change (where applicable). No publications were found based on this search. Allele frequency data from public databases allowed determination this variant is unlikely to cause disease. Therefore, this variant is classified as likely benign.

NM_000514.4(GDNF):c.*2440G>A

Gene: GDNF (glial cell derived neurotrophic factor; minus strand). Cytogenetic location: 5p13.2.
Variant type: single nucleotide variant.
Coding change: c.*2440G>A on transcript NM_000514.4 (MANE Select); 2440 bases downstream of the stop codon, G replaced by A.
Molecular consequence: 3 prime UTR variant.
Genome position (GRCh38, 1-based): chr5:37,813,211, C>T on the plus strand (G>A on the coding strand, the complement: GDNF is on the minus strand). VCF-style: chr5-37813211-C-T. GRCh37 (hg19) VCF-style: chr5-37813313-C-T.
Other names: c.*2440G>A (NM_001190468.1, NM_001190469.1, NM_001278098.1 and 1 more transcripts).
Identifiers: ClinVar variation 353478 (VCV000353478.5), dbSNP rs78865769, ClinGen allele CA10620370.
Genomic context (GRCh38, chr5:37,813,211, plus strand): 5'-GAATTCTCAGCAAGATCCCAAGACAGTGTGAGAGGGAAGGCCTTTCCTCCATTTCCCAGG[C>T]GAGCAAGGGGAGCAGAAAGGACAGAGAAGGGCAGAACCATGAAGAATTTGGGTATTTTGG-3'